The following is an entry in ClinVar:

ClinVar aggregate classification (germline): Likely benign. Review status: criteria provided, single submitter (1 of 4 stars). 2 submissions from 2 submitters: Likely benign (1). 1 of the submissions does not count toward it. Last evaluated 2024-12-31.

Conditions:
MTTP-related disorder. Also called: MTTP-related condition.

Allele frequency attached by ClinVar (database versions not stated): gnomAD exomes 0.00007 and 0.00017; TOPMed 0.00007; ExAC 0.00005; gnomAD 0.00007 and 0.00008.
gnomAD v4.1: 260 of 1,613,974 alleles (0.016%); highest among the groups gnomAD compares: Non-Finnish European, 0.021%; no homozygotes.

Submissions (2):

Labcorp Genetics (formerly Invitae), Labcorp
Classification: Likely benign. Last evaluated: 2024-12-31. Review status: criteria provided, single submitter. Criteria: Invitae Variant Classification Sherloc (09022015). Collection method: clinical testing. Allele origin: germline.

PreventionGenetics, part of Exact Sciences
Classification: Likely benign for MTTP-related condition. Last evaluated: 2023-08-16. Review status: no assertion criteria provided. Collection method: clinical testing. Allele origin: germline. Not counted in ClinVar's aggregate classification.
Comment: This variant is classified as likely benign based on ACMG/AMP sequence variant interpretation guidelines (Richards et al. 2015 PMID: 25741868, with internal and published modifications).

NM_001386140.1(MTTP):c.2454G>A (p.Gln818=)

Gene: MTTP (microsomal triglyceride transfer protein; plus strand). Cytogenetic location: 4q23.
Variant type: single nucleotide variant.
Coding change: c.2454G>A on transcript NM_001386140.1 (MANE Select); coding-DNA position 2454, G replaced by A.
Protein change: p.Gln818=; no amino-acid change (glutamine 818 retained).
Molecular consequence: synonymous variant.
Genome position (GRCh38, 1-based): chr4:99,621,172, G>A. VCF-style: chr4-99621172-G-A. GRCh37 (hg19) VCF-style: chr4-100542329-G-A.
Other names: c.2454G>A (NM_000253.3); c.2454G>A, p.Gln818= (NM_000253.4); c.2205G>A, p.Gln735= (NM_001300785.2).
Identifiers: ClinVar variation 1594334 (VCV001594334.10), dbSNP rs759757889, ClinGen allele CA3022365.